The following is an entry in ClinVar:

NM_198252.3(GSN):c.1662G>A (p.Trp554Ter)

Gene: GSN (gelsolin; plus strand). Cytogenetic location: 9q33.2.
Variant type: single nucleotide variant.
Coding change: c.1662G>A on transcript NM_198252.3 (MANE Select); coding-DNA position 1662, G replaced by A.
Protein change: p.Trp554Ter; replaces tryptophan 554 with a stop codon.
Molecular consequence: nonsense.
Genome position (GRCh38, 1-based): chr9:121,327,382, G>A. VCF-style: chr9-121327382-G-A. GRCh37 (hg19) VCF-style: chr9-124089660-G-A.
Other names: c.1662G>A, p.Trp554Ter (NM_001127662.2, NM_001127664.2, NM_001127665.2 and 10 more transcripts); c.1770G>A, p.Trp590Ter (NM_001127663.2); c.1695G>A, p.Trp565Ter (NM_001127666.2, NM_001127667.2, NM_001353064.2 and 13 more transcripts); c.1713G>A, p.Trp571Ter (NM_001258029.2); c.1686G>A, p.Trp562Ter (NM_001258030.2); c.1815G>A, p.Trp605Ter (NM_000177.5); c.1734G>A, p.Trp578Ter (NM_001353076.2); c.1008G>A, p.Trp336Ter (NM_001353078.2); short protein forms W562*, W565*, W336*, W578*, W590*, W554*, W571*, W605*.
Identifiers: ClinVar variation 1497861 (VCV001497861.8), dbSNP rs144259173, ClinGen allele CA5221374.

ClinVar aggregate classification (germline): Uncertain significance. Review status: criteria provided, multiple submitters, no conflicts (2 of 4 stars). 2 submissions from 2 submitters: Uncertain significance (2). Last evaluated 2024-04-10.

Conditions:
Finnish type amyloidosis. Also called: Amyloidosis, familial, Finnish type; Meretoja type amyloidosis; Amyloidosis 5; AMYLOIDOSIS, HEREDITARY SYSTEMIC 4, FINNISH TYPE; AMYLOID CRANIAL NEUROPATHY WITH LATTICE CORNEAL DYSTROPHY; AMYLOIDOSIS DUE TO MUTANT GELSOLIN. Identifiers: Orphanet 85448, MedGen C1622345, MONDO:0007097, OMIM 105120.

Allele frequency attached by ClinVar (database versions not stated): gnomAD exomes 0.00001; ExAC 0.00003; gnomAD 0.00003 and 0.00004; TOPMed 0.00003; ESP Exome Variant Server 0.00008.
gnomAD v4.1: 9 of 1,613,700 alleles (0.00056%); highest among the groups gnomAD compares: African/African-American, 0.0067%; no homozygotes.

Submissions (2):

Fulgent Genetics
Classification: Uncertain significance for Finnish type amyloidosis. Last evaluated: 2024-04-10. Review status: criteria provided, single submitter. Criteria: ACMG Guidelines, 2015. Collection method: clinical testing. Allele origin: germline.

Labcorp Genetics (formerly Invitae), Labcorp
Classification: Uncertain significance. Last evaluated: 2024-04-04. Review status: criteria provided, single submitter. Criteria: Invitae Variant Classification Sherloc (09022015). Collection method: clinical testing. Allele origin: germline.
Comment: This sequence change creates a premature translational stop signal (p.Trp605*) in the GSN gene. It is expected to result in an absent or disrupted protein product. However, the current clinical and genetic evidence is not sufficient to establish whether loss-of-function variants in GSN cause disease. This variant is present in population databases (rs144259173, gnomAD 0.01%). This variant has not been reported in the literature in individuals affected with GSN-related conditions. ClinVar contains an entry for this variant (Variation ID: 1497861). In summary, the available evidence is currently insufficient to determine the role of this variant in disease. Therefore, it has been classified as a Variant of Uncertain Significance.